The following is an entry in ClinVar:

NM_014989.7(RIMS1):c.3478G>T (p.Asp1160Tyr)

Gene: RIMS1 (regulating synaptic membrane exocytosis 1; plus strand). Cytogenetic location: 6q13.
Variant type: single nucleotide variant.
Coding change: c.3478G>T on transcript NM_014989.7 (MANE Select); coding-DNA position 3478, G replaced by T.
Protein change: p.Asp1160Tyr; replaces aspartic acid 1160 with tyrosine.
Molecular consequence: missense variant. On other transcripts: intron variant (58).
Genome position (GRCh38, 1-based): chr6:72,274,428, G>T. VCF-style: chr6-72274428-G-T. GRCh37 (hg19) VCF-style: chr6-72984131-G-T.
Other names: c.1705G>T, p.Asp569Tyr (NM_001350415.2, NM_001350445.2); c.1708G>T, p.Asp570Tyr (NM_001350433.2); c.1642G>T, p.Asp548Tyr (NM_001350435.2); c.1636G>T, p.Asp546Tyr (NM_001350437.2); c.1559+8379G>T (NM_001350428.2, NM_001350459.2, NM_001350424.2 and 1 more transcripts); c.1556+8379G>T (NM_001350430.2, NM_001350421.2, NM_001350450.2); c.1706+8379G>T (NM_001350458.2); c.1628+8379G>T (NM_001350446.2, NM_001350442.2, NM_001350416.2 and 7 more transcripts); and 20 more; short protein forms D1160Y, D546Y, D548Y, D569Y, D570Y.
Identifiers: ClinVar variation 2656691 (VCV002656691.24), dbSNP rs2552158555, ClinGen allele CA364687482.

ClinVar aggregate classification (germline): Uncertain significance (1 of 4 stars; one submission).

gnomAD v4.1: 1 of 1,611,644 alleles (0.000062%); highest among the groups gnomAD compares: Non-Finnish European, 0.000085%; no homozygotes.

Submission:

CeGaT Center for Human Genetics Tuebingen
Classification: Uncertain significance. Last evaluated: 2023-02-01. Review status: criteria provided, single submitter. Criteria: CeGaT Center For Human Genetics Tuebingen Variant Classification Criteria Version 2. Collection method: clinical testing. Allele origin: germline. Affected: yes. Observed: 1 variant allele.
Comment: RIMS1: PM2